The following is an entry in ClinVar:

ClinVar aggregate classification (germline): Likely benign. Review status: criteria provided, multiple submitters, no conflicts (2 of 4 stars). 4 submissions from 4 submitters: Likely benign (4). Last evaluated 2024-08-28.

Conditions:
Hereditary cancer-predisposing syndrome. Also called: Tumor predisposition; Neoplastic Syndromes, Hereditary; Hereditary Cancer Syndrome; Hereditary neoplastic syndrome. Identifiers: Orphanet 140162, MedGen C0027672, MeSH D009386, MONDO:0015356.
Retinoblastoma (RB1). Also called: RETINOBLASTOMA, SOMATIC. Identifiers: Orphanet 790, MedGen C0035335, MeSH D012175, MONDO:0008380, OMIM 180200, HP:0009919. Disease mechanism: loss of function. Inheritance: Both sporadic and heritable forms are tested..

Allele frequency attached by ClinVar (database versions not stated): gnomAD exomes below 0.00001 and 0.00001; ExAC 0.00001.
gnomAD v4.1: 15 of 1,613,782 alleles (0.00093%); highest among the groups gnomAD compares: Non-Finnish European, 0.0013%; no homozygotes.

Submissions (4):

Labcorp Genetics (formerly Invitae), Labcorp
Classification: Likely benign for Retinoblastoma. Last evaluated: 2024-08-28. Review status: criteria provided, single submitter. Criteria: Invitae Variant Classification Sherloc (09022015). Collection method: clinical testing. Allele origin: germline.

All of Us Research Program, National Institutes of Health
Classification: Likely benign for Retinoblastoma. Last evaluated: 2024-05-14. Review status: criteria provided, single submitter. Criteria: ACMG Guidelines, 2015. Collection method: clinical testing. Allele origin: germline. Inheritance: Autosomal dominant inheritance. Observed: 1 variant allele, 1 heterozygote.
Comment: This study involves interpretation of variants in research participants for the purpose of population health screening. Participant phenotype was not available at the time of variant classification. Additional details can be found in publication PMID: 35346344, PMCID: PMC8962531

Color Diagnostics, LLC DBA Color Health
Classification: Likely benign for Retinoblastoma. Last evaluated: 2024-04-24. Review status: criteria provided, single submitter. Criteria: ACMG Guidelines, 2015. Collection method: clinical testing. Allele origin: germline.

Ambry Genetics
Classification: Likely benign for Hereditary cancer-predisposing syndrome. Last evaluated: 2020-02-27. Review status: criteria provided, single submitter. Criteria: Ambry Variant Classification Scheme 2023. Collection method: clinical testing. Allele origin: germline.

NM_000321.3(RB1):c.1311T>C (p.Gly437=)

Gene: RB1 (RB transcriptional corepressor 1; plus strand). Cytogenetic location: 13q14.2.
Variant type: single nucleotide variant.
Coding change: c.1311T>C on transcript NM_000321.3 (MANE Select); coding-DNA position 1311, T replaced by C.
Protein change: p.Gly437=; no amino-acid change (glycine 437 retained).
Molecular consequence: synonymous variant.
Genome position (GRCh38, 1-based): chr13:48,377,013, T>C. VCF-style: chr13-48377013-T-C. GRCh37 (hg19) VCF-style: chr13-48951149-T-C.
Identifiers: ClinVar variation 1106256 (VCV001106256.13), dbSNP rs759207520, ClinGen allele CA028123.